The following is an entry in ClinVar:

NM_006767.4(LZTR1):c.2372A>G (p.His791Arg)

Gene: LZTR1 (leucine zipper like post translational regulator 1; plus strand). Cytogenetic location: 22q11.21.
Variant type: single nucleotide variant.
Coding change: c.2372A>G on transcript NM_006767.4 (MANE Select); coding-DNA position 2372, A replaced by G.
Protein change: p.His791Arg; replaces histidine 791 with arginine.
Molecular consequence: missense variant.
Genome position (GRCh38, 1-based): chr22:20,996,932, A>G. VCF-style: chr22-20996932-A-G. GRCh37 (hg19) VCF-style: chr22-21351221-A-G.
Other names: short protein forms H791R.
Identifiers: ClinVar variation 1790311 (VCV001790311.5), dbSNP rs2518626083, ClinGen allele CA410781088.
Genomic context (GRCh38, chr22:20,996,932, plus strand): 5'-CCCTGCCATTGCAGATCCTGGAGGCAGCTGACAAAACGCAGGCACTGGACATGAAGCGGC[A>G]CTGCCTGCACATCATTGTGCACCAGTTCACCAAGGTCAGGGCTCTGGCCTCCCCTTCAGG-3'
Protein context (NP_006758.2, residues 781-801): DKTQALDMKR[His791Arg]CLHIIVHQFT

ClinVar aggregate classification (germline): Uncertain significance. Review status: criteria provided, multiple submitters, no conflicts (2 of 4 stars). 2 submissions from 2 submitters: Uncertain significance (2). Last evaluated 2025-02-23.

Conditions:
Hereditary cancer-predisposing syndrome. Also called: Hereditary Cancer Syndrome; Hereditary neoplastic syndrome; Tumor predisposition; Neoplastic Syndromes, Hereditary. Identifiers: Orphanet 140162, MedGen C0027672, MeSH D009386, MONDO:0015356.
Cardiovascular phenotype. Identifiers: MedGen CN230736.

Allele frequency attached by ClinVar (database versions not stated): gnomAD exomes below 0.00001.
gnomAD v4.1: 1 of 1,613,570 alleles (0.000062%); highest among the groups gnomAD compares: Non-Finnish European, 0.000085%; no homozygotes.

Submissions (2):

Labcorp Genetics (formerly Invitae), Labcorp
Classification: Uncertain significance. Last evaluated: 2025-02-23. Review status: criteria provided, single submitter. Criteria: Invitae Variant Classification Sherloc (09022015). Collection method: clinical testing. Allele origin: germline.
Comment: This sequence change replaces histidine, which is basic and polar, with arginine, which is basic and polar, at codon 791 of the LZTR1 protein (p.His791Arg). This variant is not present in population databases (gnomAD no frequency). This variant has not been reported in the literature in individuals affected with LZTR1-related conditions. ClinVar contains an entry for this variant (Variation ID: 1790311). Invitae Evidence Modeling of protein sequence and biophysical properties (such as structural, functional, and spatial information, amino acid conservation, physicochemical variation, residue mobility, and thermodynamic stability) indicates that this missense variant is not expected to disrupt LZTR1 protein function with a negative predictive value of 80%. In summary, the available evidence is currently insufficient to determine the role of this variant in disease. Therefore, it has been classified as a Variant of Uncertain Significance.

Ambry Genetics
Classification: Uncertain significance for Cardiovascular phenotype; Hereditary cancer-predisposing syndrome. Last evaluated: 2025-01-23. Review status: criteria provided, single submitter. Criteria: Ambry Variant Classification Scheme 2023. Collection method: clinical testing. Allele origin: germline.
Comment: The p.H791R variant (also known as c.2372A>G), located in coding exon 20 of the LZTR1 gene, results from an A to G substitution at nucleotide position 2372. The histidine at codon 791 is replaced by arginine, an amino acid with highly similar properties. This amino acid position is highly conserved in available vertebrate species. In addition, this alteration is predicted to be deleterious by in silico analysis. Based on the available evidence, the clinical significance of this variant remains unclear.